The following is an entry in ClinVar:

ClinVar aggregate classification (germline): Uncertain significance. Review status: criteria provided, multiple submitters, no conflicts (2 of 4 stars). 3 submissions from 3 submitters: Uncertain significance (3). Last evaluated 2024-04-05.

Conditions:
Neuronal ceroid lipofuscinosis. Also called: Neuronal Ceroid Lipofuscinoses. Identifiers: Orphanet 216, Orphanet 79263, MedGen C0027877, MONDO:0016295. Disease mechanism: loss of function.

gnomAD v4.1: 8 of 1,613,700 alleles (0.0005%); highest among the groups gnomAD compares: South Asian, 0.0022%; no homozygotes.

Submissions (3):

Women's Health and Genetics/Laboratory Corporation of America, LabCorp
Classification: Uncertain significance. Last evaluated: 2024-04-05. Review status: criteria provided, single submitter. Criteria: LabCorp Variant Classification Summary - May 2015. Collection method: clinical testing. Allele origin: germline.
Comment: Variant summary: CLN3 c.388G>A (p.Val130Ile) results in a conservative amino acid change in the encoded protein sequence. Four of four in-silico tools predict a benign effect of the variant on protein function. The variant allele was found at a frequency of 4e-06 in 251106 control chromosomes. The available data on variant occurrences in the general population are insufficient to allow any conclusion about variant significance. c.388G>A has been reported in the literature in one individual affected with Neuronal Ceroid-Lipofuscinosis (Gowda_2021). These report(s) do not provide unequivocal conclusions about association of the variant with Neuronal Ceroid-Lipofuscinosis (Batten Disease). To our knowledge, no experimental evidence demonstrating an impact on protein function has been reported. The following publication have been ascertained in the context of this evaluation (PMID: 34849271). ClinVar contains an entry for this variant (Variation ID: 421254). Based on the evidence outlined above, the variant was classified as uncertain significance.

Labcorp Genetics (formerly Invitae), Labcorp
Classification: Uncertain significance for Neuronal ceroid lipofuscinosis. Last evaluated: 2022-07-18. Review status: criteria provided, single submitter. Criteria: Invitae Variant Classification Sherloc (09022015). Collection method: clinical testing. Allele origin: germline.
Comment: This sequence change replaces valine, which is neutral and non-polar, with isoleucine, which is neutral and non-polar, at codon 130 of the CLN3 protein (p.Val130Ile). The frequency data for this variant in the population databases is considered unreliable, as metrics indicate poor data quality at this position in the gnomAD database. This variant has not been reported in the literature in individuals affected with CLN3-related conditions. ClinVar contains an entry for this variant (Variation ID: 421254). Algorithms developed to predict the effect of missense changes on protein structure and function output the following: SIFT: "Tolerated"; PolyPhen-2: "Benign"; Align-GVGD: "Class C0". The isoleucine amino acid residue is found in multiple mammalian species, which suggests that this missense change does not adversely affect protein function. In summary, the available evidence is currently insufficient to determine the role of this variant in disease. Therefore, it has been classified as a Variant of Uncertain Significance.

GeneDx
Classification: Uncertain significance. Last evaluated: 2018-06-21. Review status: criteria provided, single submitter. Criteria: GeneDx Variant Classification (06012015). Collection method: clinical testing. Allele origin: germline. Affected: yes.
Comment: A variant of uncertain significance has been identified in the CLN3 gene. The V130I variant has not been published as a pathogenic variant, nor has it been reported as a benign variant to our knowledge. It was not observed in approximately 6,500 individuals of European and African American ancestry in the NHLBI Exome Sequencing Project, indicating it is not a common benign variant in these populations. The V130I variant is a conservative amino acid substitution, which is not likely to impact secondary protein structure as these residues share similar properties. This substitution occurs at a position that is not conserved. However, in silico analysis is inconsistent in its predictions as to whether or not the variant is damaging to the protein structure/function. Therefore, based on the currently available information, it is unclear whether this variant is a pathogenic variant or a rare benign variant.

Literature cited by the submitters: PubMed 34849271 (cited by Women's Health and Genetics/Laboratory Corporation of America, LabCorp).

NM_001042432.2(CLN3):c.388G>A (p.Val130Ile)

Gene: CLN3 (CLN3 lysosomal/endosomal transmembrane protein, battenin; minus strand). Cytogenetic location: 16p12.1.
Variant type: single nucleotide variant.
Coding change: c.388G>A on transcript NM_001042432.2 (MANE Select); coding-DNA position 388, G replaced by A.
Protein change: p.Val130Ile; replaces valine 130 with isoleucine.
Molecular consequence: missense variant.
Genome position (GRCh38, 1-based): chr16:28,487,528, C>T on the plus strand (G>A on the coding strand, the complement: CLN3 is on the minus strand). VCF-style: chr16-28487528-C-T. GRCh37 (hg19) VCF-style: chr16-28498849-C-T.
Other names: c.388G>A, p.Val130Ile (NM_000086.2); c.316G>A, p.Val106Ile (NM_001286104.2); c.88G>A, p.Val30Ile (NM_001286105.2); c.154G>A, p.Val52Ile (NM_001286109.2); c.226G>A, p.Val76Ile (NM_001286110.2); short protein forms V130I, V52I, V76I, V30I, V106I.
Identifiers: ClinVar variation 421254 (VCV000421254.6), dbSNP rs764261700, ClinGen allele CA7980937.